The following is an entry in ClinVar:

ClinVar aggregate classification (germline): Likely pathogenic (1 of 4 stars; one submission).

Conditions:
Schwartz-Jampel syndrome type 1 (SJS1). Also called: MYOTONIC MYOPATHY, DWARFISM, CHONDRODYSTROPHY, AND OCULAR AND FACIAL ABNORMALITIES; CHONDRODYSTROPHIC MYOTONIA. Identifiers: MedGen C4551479, MONDO:0100435, OMIM 255800.
Lethal Kniest-like syndrome (DDSH). Also called: Dyssegmental Dysplasia. Identifiers: Orphanet 1865, MedGen C1857100, MONDO:0009140, OMIM 224410.

gnomAD v4.1: 1 of 1,613,696 alleles (0.000062%); highest among the groups gnomAD compares: East Asian, 0.0022%; no homozygotes.

Submission:

Juno Genomics, Hangzhou Juno Genomics, Inc
Classification: Likely pathogenic for Lethal Kniest-like syndrome; Schwartz-Jampel syndrome type 1. Review status: criteria provided, single submitter. Criteria: ACMG Guidelines, 2015. Collection method: clinical testing. Allele origin: germline.
Comment: Null variant in a gene where loss of function (LOF) is a known mechanism of disease.;Absent from controls (or at extremely low frequency if recessive) in Genome Aggregation Database.

NM_005529.7(HSPG2):c.1284C>A (p.Cys428Ter)

Gene: HSPG2 (heparan sulfate proteoglycan 2; minus strand). Cytogenetic location: 1p36.12.
Variant type: single nucleotide variant.
Coding change: c.1284C>A on transcript NM_005529.7 (MANE Select); coding-DNA position 1284, C replaced by A.
Protein change: p.Cys428Ter; replaces cysteine 428 with a stop codon.
Molecular consequence: nonsense.
Genome position (GRCh38, 1-based): chr1:21,885,084, G>T on the plus strand (C>A on the coding strand, the complement: HSPG2 is on the minus strand). VCF-style: chr1-21885084-G-T. GRCh37 (hg19) VCF-style: chr1-22211577-G-T.
Other names: c.1284C>A, p.Cys428Ter (NM_001291860.2); short protein forms C428*.
Identifiers: ClinVar variation 5006086 (VCV005006086.2).